The following is an entry in ClinVar:

NM_000492.4(CFTR):c.1055G>A (p.Arg352Gln)

Gene: CFTR (CF transmembrane conductance regulator; plus strand). Cytogenetic location: 7q31.2.
Variant type: single nucleotide variant.
Coding change: c.1055G>A on transcript NM_000492.4 (MANE Select); coding-DNA position 1055, G replaced by A.
Protein change: p.Arg352Gln; replaces arginine 352 with glutamine.
Molecular consequence: missense variant.
Genome position (GRCh38, 1-based): chr7:117,540,285, G>A. VCF-style: chr7-117540285-G-A. GRCh37 (hg19) VCF-style: chr7-117180339-G-A.
Other names: short protein forms R352Q.
Identifiers: ClinVar variation 7198 (VCV000007198.44), dbSNP rs121908753, ClinGen allele CA325583.

ClinVar aggregate classification (germline): Pathogenic; drug response. Review status: reviewed by expert panel (3 of 4 stars). 24 submissions from 22 submitters: Pathogenic (1). 22 of the submissions do not count toward it. Last evaluated 2021-03-24.

Conditions:
CFTR-related disorder (CFTR-RD). Also called: CFTR-related condition; CFTR-related disorders. Identifiers: MedGen C5924204, MONDO:7770004.
Cystic fibrosis (CF). Also called: MUCOVISCIDOSIS. Identifiers: Orphanet 586, MedGen C0010674, MONDO:0009061, OMIM 219700. Disease mechanism: loss of function.
Congenital bilateral aplasia of vas deferens from CFTR mutation (CBAVD). Identifiers: Orphanet 48, MedGen C0403814, MONDO:0010178, OMIM 277180. Disease mechanism: loss of function.
Hereditary pancreatitis (PCTT). Also called: PRSS1-Related Hereditary Pancreatitis; Hereditary chronic pancreatitis. Identifiers: Orphanet 676, MedGen C0238339, MONDO:0008185, OMIM 167800.
Bronchiectasis with or without elevated sweat chloride 1 (BESC1). Also called: Cystic Fibrosis-Like Syndrome. Identifiers: Orphanet 60033, MedGen C2749757, MONDO:0008887, OMIM 211400.
ivacaftor response - Efficacy. Identifiers: MedGen CN322735.

Allele frequency attached by ClinVar (database versions not stated): ExAC 0.00002; gnomAD exomes 0.00002; TOPMed 0.00003.
gnomAD v4.1: 26 of 1,613,900 alleles (0.0016%); highest among the groups gnomAD compares: South Asian, 0.0044%; no homozygotes.

Submissions 1 to 10 of 24:

ClinPGx
Classification: drug response for ivacaftor response - Efficacy. Last evaluated: 2021-03-24. Review status: reviewed by expert panel. Criteria: Pharmacogenomics knowledge for personalized medicine. Collection method: curation. Allele origin: germline. Affected: yes.
Comment: PharmGKB Level of Evidence 1A: Level 1A clinical annotations describe variant-drug combinations that have variant-specific prescribing guidance available in a current clinical guideline annotation or an FDA-approved drug label annotation. Annotations of drug labels or clinical guidelines must give prescribing guidance for specific variants (e.g. CYP2C9*3, HLA-B*57:01) or provide mapping from defined allele functions to diplotypes and phenotypes to be used as supporting evidence for a level 1A clinical annotation. Level 1A clinical annotations must also be supported by at least one publication in addition to a clinical guideline or drug label with variant-specific prescribing guidance.

Drug is not necessarily used to treat response condition

CFTR2
Classification: Pathogenic for Cystic fibrosis. Last evaluated: 2017-03-17. Review status: reviewed by expert panel. Criteria: Sosnay PR et al. (Nat Genet 2013). Collection method: research. Allele origin: germline. Affected: yes. Study: CFTR2.

Otogenetics
Classification: Pathogenic for Cystic fibrosis; Congenital bilateral aplasia of vas deferens from CFTR mutation. Last evaluated: 2025-10-31. Review status: criteria provided, single submitter. Criteria: ACMG Guidelines, 2015. Collection method: clinical testing. Allele origin: germline. Not counted in ClinVar's aggregate classification.
Comment: PS3: Well-established in vitro and in vivo functional studies supportive of damaging effect on the gene product, with low residual enzymatic activity relative to wild-type reported (PMID: 23891399, 23974870); PM2: Maximum gnomAD MAF of 0.0044% in South Asian (SAS) subpopulation (<0.28% threshold); PM3_Strong: Variant reported in homozygous state in one affected individual and in trans with 4 pathogenic variants in 6 individuals affected with cystic fibrosis (PMID: 7544319, 19318346, 21520337, 27659740); PM5: Likely pathogenic missense amino acid change occurs in same position: c.1054C>T; p.Arg352Trp (PMID: 19897426); PP3: In-silico models predict deleterious effect (Revel = 0.8, BayesDel = 0.4)

Labcorp Genetics (formerly Invitae), Labcorp
Classification: Pathogenic for Cystic fibrosis. Last evaluated: 2025-07-29. Review status: criteria provided, single submitter. Criteria: Invitae Variant Classification Sherloc (09022015). Collection method: clinical testing. Allele origin: germline. Not counted in ClinVar's aggregate classification.
Comment: This sequence change replaces arginine, which is basic and polar, with glutamine, which is neutral and polar, at codon 352 of the CFTR protein (p.Arg352Gln). This variant is present in population databases (rs121908753, gnomAD 0.01%). This missense change has been observed in individual(s) with cystic fibrosis (PMID: 7544319, 20522854, 27086061, 28646244). ClinVar contains an entry for this variant (Variation ID: 7198). Invitae Evidence Modeling of protein sequence and biophysical properties (such as structural, functional, and spatial information, amino acid conservation, physicochemical variation, residue mobility, and thermodynamic stability) indicates that this missense variant is expected to disrupt CFTR protein function with a positive predictive value of 80%. For these reasons, this variant has been classified as Pathogenic.

PreventionGenetics, part of Exact Sciences
Classification: Pathogenic for CFTR-related condition. Last evaluated: 2024-11-15. Review status: criteria provided, single submitter. Criteria: ACMG Guidelines, 2015. Collection method: clinical testing. Allele origin: germline. Not counted in ClinVar's aggregate classification.
Comment: The CFTR c.1055G>A variant is predicted to result in the amino acid substitution p.Arg352Gln. This variant has been reported as causative for cystic fibrosis (see for example, Supplemental Table 2, Sosnay et al. 2013. PubMed ID: 23974870; Ooi and Durie. 2012. PubMed ID: 22658665; Cremonesi et al. 1992. PubMed ID: 1284538; Castellani et al. 2008. PubMed ID: 18456578). This variant is reported in 0.013% of alleles in individuals of South Asian descent in gnomAD. Taken together, we interpret this variant as pathogenic.

Dasa
Classification: Pathogenic. Last evaluated: 2024-09-17. Review status: criteria provided, single submitter. Criteria: DASA Assertion Criteria. Collection method: clinical testing. Allele origin: germline. Not counted in ClinVar's aggregate classification.
Comment: NM_000492.4(CFTR):c.1055G>A (p.Arg352Gln) is a missense variant that results in the substitution of arginine with glutamine. Functional evidence supports a deleterious effect on the gene or gene product (PMID: 23709221; PMID: 7544319; PMID: 27086061; PMID: 28646244; PMID: 18456578). This variant has been recurrently observed in individuals with related phenotype (PMID: 23709221; PMID: 7544319; PMID: 27086061; PMID: 28646244; PMID: 18456578). Multiple computational predictions support a deleterious effect on the gene or gene product. The variant is present at low frequency in population datasets. Based on the available data, this variant is classified as pathogenic.

Natera, Inc.
Classification: Pathogenic for CFTR-related disorders. Last evaluated: 2024-08-13. Review status: criteria provided, single submitter. Criteria: Natera Variant Classification Schema (03/2026). Collection method: clinical testing. Allele origin: germline. Not counted in ClinVar's aggregate classification.
Comment: The c.1055G>A variant in CFTR is a missense variant predicted to cause substitution of arginine to glutamine at amino acid 352. This variant is rare in the general population with a frequency below the threshold expected for the associated phenotype(s). This variant has been observed in one or more individuals affected with the associated recessive disease, as either homozygous or compound heterozygous with a second variant (PMID: 26087176). Computational prediction algorithms indicate this variant is likely to affect gene or protein function. Given the available evidence, this variant is classified as Pathogenic.

Baylor Genetics
Classification: Pathogenic for Bronchiectasis with or without elevated sweat chloride 1. Last evaluated: 2023-10-11. Review status: criteria provided, single submitter. Criteria: ACMG Guidelines, 2015. Collection method: clinical testing. Allele origin: unknown. Not counted in ClinVar's aggregate classification.

Neuberg Centre For Genomic Medicine, NCGM
Classification: Pathogenic for Cystic fibrosis. Last evaluated: 2023-06-02. Review status: criteria provided, single submitter. Criteria: ACMG Guidelines, 2015. Collection method: clinical testing. Allele origin: germline. Inheritance: Autosomal recessive inheritance. Affected: yes. Not counted in ClinVar's aggregate classification.
Comment: The observed missense variant c.1055G>A (p.Arg352Gln) in the CFTR gene has been reported in homozygous and compound heterozygous state in individuals affected with cystic fibrosis (Nowak JK, et al., 2017, Sosnay PR, et al., 2013). Experimental evidence suggests this variant results in reduced protein function (Van Goor F, et al., 2014). This p.Arg352Gln variant has 0.002% allele frequency in the gnomAD. This variant has been submitted to the ClinVar database as drug response/Pathogenic (multiple submissions). The reference amino acid p.Arg352Gln in CFTR is predicted as conserved by GERP++ and PhyloP across 100 vertebrates.Multiple lines of computational evidence (Polyphen-probably damaging, SIFT-damaging and Mutation Taster-disease causing) predict a damaging effect on protein structure and function for this variant The amino acid Arginine at position 352 is changed to a Glutamine changing protein sequence and it might alter its composition and physico-chemical properties. For these reasons, this variant has been classified as Pathogenic.

Ambry Genetics
Classification: Pathogenic for Cystic fibrosis. Last evaluated: 2023-05-10. Review status: criteria provided, single submitter. Criteria: Ambry Variant Classification Scheme 2023. Collection method: clinical testing. Allele origin: germline. Not counted in ClinVar's aggregate classification.
Comment: The p.R352Q pathogenic mutation (also known as c.1055G>A), located in coding exon 8 of the CFTR gene, results from a G to A substitution at nucleotide position 1055. The arginine at codon 352 is replaced by glutamine, an amino acid with highly similar properties. This mutation was first reported in an individual with pancreatic sufficient cystic fibrosis (CF) and an unknown variant on the other chromosome (Cremonesi L et al. Hum. Mutat., 1992;1:314-9). In two additional studies, p.R352Q was reported in conjunction with p.F508del in an individual with CF and an individual with idiopathic chronic pancreatitis (Zitkiewicz E et al. PLoS ONE, 2014 Mar;9:e89094; Steiner B et al. Hum. Mutat., 2011 Aug;32:912-20). This mutation is associated with pancreatic sufficiency and elevated sweat chloride levels (Sosnay PR et al. Nat. Genet., 2013 Oct;45:1160-7). In a functional study using a Xenopus laevis oocyte model, alterations affecting the positive charge at codon 352 (p.R352A, p.R352E, p.R352Q) were observed to alter pore structure by disrupting the interaction between R352 and D993 (Cui G et al. J. Membr. Biol., 2008 Mar;222:91-106). Based on the supporting evidence, this alteration is interpreted as a disease-causing mutation.